The following is an entry in ClinVar:

ClinVar aggregate classification (germline): Uncertain significance (1 of 4 stars; one submission).

Conditions:
Hereditary cancer-predisposing syndrome. Also called: Neoplastic Syndromes, Hereditary; Tumor predisposition; Hereditary Cancer Syndrome; Hereditary neoplastic syndrome. Identifiers: Orphanet 140162, MedGen C0027672, MeSH D009386, MONDO:0015356.

Allele frequency attached by ClinVar (database versions not stated): gnomAD exomes below 0.00001.

Submission:

Color Diagnostics, LLC DBA Color Health
Classification: Uncertain significance for Hereditary cancer-predisposing syndrome. Last evaluated: 2019-12-18. Review status: criteria provided, single submitter. Criteria: ACMG Guidelines, 2015. Collection method: clinical testing. Allele origin: germline.
Comment: This missense variant replaces threonine with arginine at codon 310 of the BAP1 protein. Computational prediction is inconclusive regarding the impact of this variant on protein structure and function (internally defined REVEL score threshold 0.5 < inconclusive < 0.7, PMID: 27666373). To our knowledge, functional studies have not been performed for this variant. This variant has not been reported in individuals affected with hereditary cancer in the literature. This variant has been identified in 1/251044 chromosomes in the general population by the Genome Aggregation Database (gnomAD). The available evidence is insufficient to determine the role of this variant in disease conclusively. Therefore, this variant is classified as a Variant of Uncertain Significance.

NM_004656.4(BAP1):c.929C>G (p.Thr310Arg)

Gene: BAP1 (BRCA1 associated deubiquitinase 1; minus strand). Cytogenetic location: 3p21.1.
Variant type: single nucleotide variant.
Coding change: c.929C>G on transcript NM_004656.4 (MANE Select); coding-DNA position 929, C replaced by G.
Protein change: p.Thr310Arg; replaces threonine 310 with arginine.
Molecular consequence: missense variant.
Genome position (GRCh38, 1-based): chr3:52,405,767, G>C on the plus strand (C>G on the coding strand, the complement: BAP1 is on the minus strand). VCF-style: chr3-52405767-G-C. GRCh37 (hg19) VCF-style: chr3-52439783-G-C.
Other names: short protein forms T310R.
Identifiers: ClinVar variation 926790 (VCV000926790.3), dbSNP rs1231460146, ClinGen allele CA353106511.